The following is an entry in ClinVar:

NM_000016.6(ACADM):c.338C>A (p.Ala113Asp)

Gene: ACADM (acyl-CoA dehydrogenase medium chain; plus strand). Cytogenetic location: 1p31.1.
Variant type: single nucleotide variant.
Coding change: c.338C>A on transcript NM_000016.6 (MANE Select); coding-DNA position 338, C replaced by A.
Protein change: p.Ala113Asp; replaces alanine 113 with aspartic acid.
Molecular consequence: missense variant. On other transcripts: intron variant (1).
Genome position (GRCh38, 1-based): chr1:75,733,579, C>A. VCF-style: chr1-75733579-C-A. GRCh37 (hg19) VCF-style: chr1-76199264-C-A.
Other names: c.350C>A, p.Ala117Asp (NM_001127328.3); c.230C>A, p.Ala77Asp (NM_001286042.2); c.437C>A, p.Ala146Asp (NM_001286043.2); c.-100+657C>A (NM_001286044.2); short protein forms A113D, A117D, A146D, A77D.
Identifiers: ClinVar variation 1510903 (VCV001510903.9), dbSNP rs2100365905, ClinGen allele CA340812230.

ClinVar aggregate classification (germline): Conflicting classifications of pathogenicity. Review status: criteria provided, conflicting classifications (1 of 4 stars). 2 submissions from 2 submitters: Pathogenic (1); Uncertain significance (1). Last evaluated 2026-02-09.

Conditions:
Medium-chain acyl-coenzyme A dehydrogenase deficiency (ACADMD). Also called: CARNITINE DEFICIENCY SECONDARY TO MEDIUM-CHAIN ACYL-CoA DEHYDROGENASE DEFICIENCY; Medium chain acyl-CoA dehydrogenase deficiency; MCAD Deficiency; ACADM DEFICIENCY; MCADH DEFICIENCY; MCADD. Identifiers: Orphanet 42, MedGen C0220710, MONDO:0008721, OMIM 201450.

Submissions (2):

Myriad Genetics, Inc.
Classification: Uncertain significance for Medium-chain acyl-coenzyme A dehydrogenase deficiency. Last evaluated: 2026-02-09. Review status: criteria provided, single submitter. Criteria: Myriad Autosomal Dominant, Autosomal Recessive and X-Linked Classification Criteria (2023). Collection method: clinical testing. Allele origin: unknown.
Comment: NM_000016.4(ACADM):c.338C>A(A113D) is a missense variant classified as a variant of uncertain significance in the context of medium-chain acyl-CoA dehydrogenase deficiency. A113D has been observed in a case with relevant disease (PMID: 30626930). Relevant functional assessments of this variant are not available in the literature. A113D has not been observed in referenced population frequency databases. In summary, there is insufficient evidence to classify NM_000016.4(ACADM):c.338C>A(A113D) as pathogenic or benign. Please note: this variant was assessed in the context of healthy population screening.

Labcorp Genetics (formerly Invitae), Labcorp
Classification: Pathogenic for Medium-chain acyl-coenzyme A dehydrogenase deficiency. Last evaluated: 2022-09-01. Review status: criteria provided, single submitter. Criteria: Invitae Variant Classification Sherloc (09022015). Collection method: clinical testing. Allele origin: germline.
Comment: This sequence change replaces alanine, which is neutral and non-polar, with aspartic acid, which is acidic and polar, at codon 113 of the ACADM protein (p.Ala113Asp). For these reasons, this variant has been classified as Pathogenic. This variant disrupts the p.Ala113 amino acid residue in ACADM. Other variant(s) that disrupt this residue have been determined to be pathogenic (PMID: 32778825). This suggests that this residue is clinically significant, and that variants that disrupt this residue are likely to be disease-causing. Advanced modeling of protein sequence and biophysical properties (such as structural, functional, and spatial information, amino acid conservation, physicochemical variation, residue mobility, and thermodynamic stability) performed at Invitae indicates that this missense variant is expected to disrupt ACADM protein function. ClinVar contains an entry for this variant (Variation ID: 1510903). This missense change has been observed in individual(s) with clinical features of medium-chain acyl-coenzyme A dehydrogenase deficiency (PMID: 30626930). This variant is not present in population databases (gnomAD no frequency).

Literature cited by the submitters: PubMed 30626930 (cited by Myriad Genetics, Inc. and Labcorp Genetics (formerly Invitae), Labcorp); PubMed 32778825 (cited by Labcorp Genetics (formerly Invitae), Labcorp).